The following is an entry in ClinVar:

ClinVar aggregate classification (germline): Pathogenic (1 of 4 stars; one submission).

Conditions:
Myofibrillar myopathy 5. Also called: Filaminopathy (type); FILAMINOPATHY, AUTOSOMAL DOMINANT. Identifiers: Orphanet 171445, MedGen C1836050, MONDO:0012289, OMIM 609524.
Distal myopathy with posterior leg and anterior hand involvement. Also called: WILLIAMS DISTAL MYOPATHY. Identifiers: Orphanet 63273, MedGen C3279722, MONDO:0013550, OMIM 614065.
Hypertrophic cardiomyopathy 26. Also called: Cardiomyopathy, familial hypertrophic, 26. Identifiers: Orphanet 75249, MedGen C4310749, MONDO:0014883, OMIM 617047.

Submission:

Labcorp Genetics (formerly Invitae), Labcorp
Classification: Pathogenic for Distal myopathy with posterior leg and anterior hand involvement; Myofibrillar myopathy 5; Hypertrophic cardiomyopathy 26. Last evaluated: 2021-08-02. Review status: criteria provided, single submitter. Criteria: Invitae Variant Classification Sherloc (09022015). Collection method: clinical testing. Allele origin: germline.
Comment: For these reasons, this variant has been classified as Pathogenic. This variant has not been reported in the literature in individuals affected with FLNC-related conditions. This variant is not present in population databases (ExAC no frequency). This sequence change creates a premature translational stop signal (p.Phe2222Trpfs*22) in the FLNC gene. It is expected to result in an absent or disrupted protein product. Loss-of-function variants in FLNC are known to be pathogenic (PMID: 27908349).

Literature cited by the submitters: PubMed 27908349.

NM_001458.5(FLNC):c.6663_6664del (p.Phe2222fs)

Genes: FLNC-AS1 (FLNC antisense RNA 1; minus strand), FLNC (filamin C; plus strand). Cytogenetic location: 7q32.1.
Variant type: Microsatellite.
Coding change: c.6663_6664del on transcript NM_001458.5 (MANE Select); coding-DNA positions 6663 to 6664, 2 bases deleted (GT; older notation c.6663_6664delGT).
Protein change: p.Phe2222fs; shifts the reading frame from phenylalanine 2222.
Molecular consequence: frameshift variant.
Genome position (GRCh38, 1-based): chr7:128,854,152-128,854,153, GT deleted; deleting any 2 consecutive bases within chr7:128,854,149-128,854,153 gives the same sequence; the c. name uses the placement nearest the transcript's 3' end. VCF-style (leftmost placement, unchanged base first): chr7-128854148-CTG-C. GRCh37 (hg19) VCF-style: chr7-128494202-CTG-C.
Other names: c.6564_6565del, p.Phe2189fs (NM_001127487.2); short protein forms F2189fs, F2222fs.
Identifiers: ClinVar variation 1375791 (VCV001375791.6), dbSNP rs2128939337, ClinGen allele CA2580614260.